The following is an entry in ClinVar:

ClinVar aggregate classification (germline): Uncertain significance. Review status: criteria provided, multiple submitters, no conflicts (2 of 4 stars). 3 submissions from 3 submitters: Uncertain significance (3). Last evaluated 2025-04-11.

Conditions:
Inborn genetic diseases. Identifiers: MedGen C0950123, MeSH D030342.

Allele frequency attached by ClinVar (database versions not stated): gnomAD 0.00001 and 0.00002.
gnomAD v4.1: 21 of 1,611,708 alleles (0.0013%); highest among the groups gnomAD compares: South Asian, 0.0033%; no homozygotes.

Submissions (3):

Ambry Genetics
Classification: Uncertain significance for Inborn genetic diseases. Last evaluated: 2025-04-11. Review status: criteria provided, single submitter. Criteria: Ambry Variant Classification Scheme 2023. Collection method: clinical testing. Allele origin: germline.

Labcorp Genetics (formerly Invitae), Labcorp
Classification: Uncertain significance. Last evaluated: 2023-08-17. Review status: criteria provided, single submitter. Criteria: Invitae Variant Classification Sherloc (09022015). Collection method: clinical testing. Allele origin: germline.
Comment: This variant is present in population databases (no rsID available, gnomAD 0.007%). This sequence change replaces arginine, which is basic and polar, with cysteine, which is neutral and slightly polar, at codon 1439 of the MYH14 protein (p.Arg1439Cys). This variant has not been reported in the literature in individuals affected with MYH14-related conditions. ClinVar contains an entry for this variant (Variation ID: 1307056). Advanced modeling of protein sequence and biophysical properties (such as structural, functional, and spatial information, amino acid conservation, physicochemical variation, residue mobility, and thermodynamic stability) performed at Invitae indicates that this missense variant is expected to disrupt MYH14 protein function. In summary, the available evidence is currently insufficient to determine the role of this variant in disease. Therefore, it has been classified as a Variant of Uncertain Significance.

GeneDx
Classification: Uncertain significance. Last evaluated: 2019-07-22. Review status: criteria provided, single submitter. Criteria: GeneDx Variant Classification Process June 2021. Collection method: clinical testing. Allele origin: germline. Affected: yes.
Comment: In silico analysis, which includes protein predictors and evolutionary conservation, supports a deleterious effect; Has not been previously published as pathogenic or benign to our knowledge

NM_001145809.2(MYH14):c.4438C>T (p.Arg1480Cys)

Gene: MYH14 (myosin heavy chain 14; plus strand). Cytogenetic location: 19q13.33.
Variant type: single nucleotide variant.
Coding change: c.4438C>T on transcript NM_001145809.2 (MANE Select); coding-DNA position 4438, C replaced by T.
Protein change: p.Arg1480Cys; replaces arginine 1480 with cysteine.
Molecular consequence: missense variant.
Genome position (GRCh38, 1-based): chr19:50,281,741, C>T. VCF-style: chr19-50281741-C-T. GRCh37 (hg19) VCF-style: chr19-50784998-C-T.
Other names: c.4339C>T, p.Arg1447Cys (NM_001077186.2); c.4315C>T, p.Arg1439Cys (NM_024729.4); short protein forms R1439C, R1447C, R1480C.
Identifiers: ClinVar variation 1307056 (VCV001307056.8), dbSNP rs867601827, ClinGen allele CA309576041.